The following is an entry in ClinVar:

ClinVar aggregate classification (germline): Uncertain significance. Review status: criteria provided, multiple submitters, no conflicts (2 of 4 stars). 2 submissions from 2 submitters: Uncertain significance (2). Last evaluated 2025-10-24.

Conditions:
Inborn genetic diseases. Identifiers: MedGen C0950123, MeSH D030342.

Allele frequency attached by ClinVar (database versions not stated): gnomAD exomes 0.00001; ExAC 0.00002.
gnomAD v4.1: 17 of 1,612,684 alleles (0.0011%); highest among the groups gnomAD compares: Admixed American, 0.0033%; no homozygotes.

Submissions (2):

Ambry Genetics
Classification: Uncertain significance for Inborn genetic diseases. Last evaluated: 2025-10-24. Review status: criteria provided, single submitter. Criteria: Ambry Variant Classification Scheme 2023. Collection method: clinical testing. Allele origin: germline.

Labcorp Genetics (formerly Invitae), Labcorp
Classification: Uncertain significance. Last evaluated: 2024-05-06. Review status: criteria provided, single submitter. Criteria: Invitae Variant Classification Sherloc (09022015). Collection method: clinical testing. Allele origin: germline.
Comment: This sequence change replaces histidine, which is basic and polar, with arginine, which is basic and polar, at codon 461 of the DNA2 protein (p.His461Arg). This variant is present in population databases (rs768612249, gnomAD 0.0009%). This variant has not been reported in the literature in individuals affected with DNA2-related conditions. ClinVar contains an entry for this variant (Variation ID: 1404781). Advanced modeling of protein sequence and biophysical properties (such as structural, functional, and spatial information, amino acid conservation, physicochemical variation, residue mobility, and thermodynamic stability) performed at Invitae indicates that this missense variant is not expected to disrupt DNA2 protein function with a negative predictive value of 80%. In summary, the available evidence is currently insufficient to determine the role of this variant in disease. Therefore, it has been classified as a Variant of Uncertain Significance.

NM_001080449.3(DNA2):c.1382A>G (p.His461Arg)

Gene: DNA2 (DNA replication helicase/nuclease 2; minus strand). Cytogenetic location: 10q21.3.
Variant type: single nucleotide variant.
Coding change: c.1382A>G on transcript NM_001080449.3 (MANE Select); coding-DNA position 1382, A replaced by G.
Protein change: p.His461Arg; replaces histidine 461 with arginine.
Molecular consequence: missense variant. On other transcripts: non-coding transcript variant (1).
Genome position (GRCh38, 1-based): chr10:68,442,950, T>C on the plus strand (A>G on the coding strand, the complement: DNA2 is on the minus strand). VCF-style: chr10-68442950-T-C. GRCh37 (hg19) VCF-style: chr10-70202707-T-C.
Other names: c.1382A>G (NM_001080449.2); short protein forms H461R.
Identifiers: ClinVar variation 1404781 (VCV001404781.8), dbSNP rs768612249, ClinGen allele CA5525090.